The following is an entry in ClinVar:

ClinVar aggregate classification (germline): Uncertain significance (1 of 4 stars; one submission).

Conditions:
Fanconi anemia (FA). Also called: Fanconi's anemia. Identifiers: Orphanet 84, MedGen C0015625, MeSH D005199, MONDO:0019391.

Submission:

Sema4
Classification: Uncertain significance for Fanconi anemia. Last evaluated: 2021-11-02. Review status: criteria provided, single submitter. Criteria: Sema4 Curation Guidelines. Collection method: curation. Allele origin: germline.
Comment: The FANCD2 c.1487T>G (p.L496R) variant has not been reported in the literature to our knowledge. It was not observed in the large and broad cohorts of the Genome Aggregation Database (PMID: 32461654). The variant has not been reported in ClinVar. In silico tools suggest the impact of the variant on protein function is deleterious, though these predictions have not been confirmed by functional studies. The evidence is insufficient to meet ACMG/AMP criteria for classifying the variant as benign or pathogenic. Thus, the clinical significance of this variant is currently uncertain.

NM_001018115.3(FANCD2):c.1487T>G (p.Leu496Arg)

Genes: FANCD2 (FA complementation group D2; plus strand), LOC107303338 (3p25 FANCD2 Alu-mediated recombination region; plus strand). Cytogenetic location: 3p25.3.
Variant type: single nucleotide variant.
Coding change: c.1487T>G on transcript NM_001018115.3 (MANE Select); coding-DNA position 1487, T replaced by G.
Protein change: p.Leu496Arg; replaces leucine 496 with arginine.
Molecular consequence: missense variant.
Genome position (GRCh38, 1-based): chr3:10,049,447, T>G. VCF-style: chr3-10049447-T-G. GRCh37 (hg19) VCF-style: chr3-10091131-T-G.
Other names: c.1487T>G, p.Leu496Arg (NM_001319984.2, NM_001374253.1, NM_001374254.1 and 1 more transcripts); short protein forms L496R.
Identifiers: ClinVar variation 1692032 (VCV001692032.1), dbSNP rs2125006396, ClinGen allele CA351737744.